The following is an entry in ClinVar:

NM_000219.6(KCNE1):c.93C>A (p.Ala31=)

Gene: KCNE1 (potassium voltage-gated channel subfamily E regulatory subunit 1; minus strand). Cytogenetic location: 21q22.12.
Variant type: single nucleotide variant.
Coding change: c.93C>A on transcript NM_000219.6 (MANE Select); coding-DNA position 93, C replaced by A.
Protein change: p.Ala31=; no amino-acid change (alanine 31 retained).
Molecular consequence: synonymous variant.
Genome position (GRCh38, 1-based): chr21:34,449,542, G>T on the plus strand (C>A on the coding strand, the complement: KCNE1 is on the minus strand). VCF-style: chr21-34449542-G-T. GRCh37 (hg19) VCF-style: chr21-35821840-G-T.
Other names: c.93C>A, p.Ala31= (NM_001127668.4, NM_001127669.4, NM_001127670.4 and 4 more transcripts).
Identifiers: ClinVar variation 3374028 (VCV003374028.2).

Conditions:
Long QT syndrome 5 (LQT5). Identifiers: Orphanet 101016, Orphanet 768, MedGen C1867904, MONDO:0013372, OMIM 613695.

Submission:

Roden Lab, Vanderbilt University Medical Center
No classification provided (evidence only). Condition: Long QT syndrome 5. Review status: no classification provided. Collection method: in vitro. Allele origin: not applicable. Functional consequence: Effect on ion channel function.
ClinVar note: "not provided" was previously submitted as the classification for the variant. However, the classification appeared to be based only on an observation of functional data so it was converted to no classification on 2025-07-30.